The following is an entry in ClinVar:

ClinVar aggregate classification (germline): Uncertain significance (1 of 4 stars; one submission).

Conditions:
Hereditary cancer-predisposing syndrome. Also called: Neoplastic Syndromes, Hereditary; Tumor predisposition; Hereditary Cancer Syndrome; Hereditary neoplastic syndrome. Identifiers: Orphanet 140162, MedGen C0027672, MeSH D009386, MONDO:0015356.

gnomAD v4.1: 1 of 1,613,998 alleles (0.000062%); no homozygotes.

Submission:

Ambry Genetics
Classification: Uncertain significance for Hereditary cancer-predisposing syndrome. Last evaluated: 2024-05-24. Review status: criteria provided, single submitter. Criteria: Ambry Variant Classification Scheme 2023. Collection method: clinical testing. Allele origin: germline.
Comment: The p.G2593R variant (also known as c.7777G>A), located in coding exon 15 of the BRCA2 gene, results from a G to A substitution at nucleotide position 7777. The glycine at codon 2593 is replaced by arginine, an amino acid with dissimilar properties. This amino acid position is highly conserved in available vertebrate species. In addition, this alteration is predicted to be deleterious by in silico analysis. Since supporting evidence is limited at this time, the clinical significance of this alteration remains unclear.

NM_000059.4(BRCA2):c.7777G>A (p.Gly2593Arg)

Gene: BRCA2 (BRCA2 DNA repair associated; plus strand). Cytogenetic location: 13q13.1.
Variant type: single nucleotide variant.
Coding change: c.7777G>A on transcript NM_000059.4 (MANE Select); coding-DNA position 7777, G replaced by A.
Protein change: p.Gly2593Arg; replaces glycine 2593 with arginine.
Molecular consequence: missense variant.
Genome position (GRCh38, 1-based): chr13:32,357,901, G>A. VCF-style: chr13-32357901-G-A. GRCh37 (hg19) VCF-style: chr13-32932038-G-A.
Other names: c.7681G>A, p.Gly2561Arg (NM_001406719.1); c.7777G>A, p.Gly2593Arg (NM_001406720.1); c.2845G>A, p.Gly949Arg (NM_001406721.1); c.1360G>A, p.Gly454Arg (NM_001406722.1); short protein forms G2561R, G2593R, G949R, G454R.
Identifiers: ClinVar variation 1760567 (VCV001760567.3), dbSNP rs587782028, ClinGen allele CA387745960.